The following is an entry in ClinVar:

ClinVar aggregate classification (germline): Uncertain significance (1 of 4 stars; one submission).

Allele frequency attached by ClinVar (database versions not stated): ExAC 0.00001; TOPMed 0.00002 and 0.00001; gnomAD 0.00001; gnomAD exomes below 0.00001.
gnomAD v4.1: 2 of 1,613,818 alleles (0.00012%); highest among the groups gnomAD compares: Admixed American, 0.0017%; no homozygotes.

Submission:

GeneDx
Classification: Uncertain significance. Last evaluated: 2016-12-19. Review status: criteria provided, single submitter. Criteria: GeneDx Variant Classification (06012015). Collection method: clinical testing. Allele origin: germline. Affected: yes.
Comment: A variant of uncertain significance has been identified in the MYOZ2 gene. The R115Q variant has not been published as a pathogenic variant, nor has it been reported as a benign variant to our knowledge. This variant was not observed in approximately 6,500 individuals of European and African American ancestry in the NHLBI Exome Sequencing Project, indicating it is not a common benign variant in these populations. The R115Q variant is a semi-conservative amino acid substitution, which may impact secondary protein structure as these residues differ in some properties. This substitution occurs at a position that is conserved in mammals. However, in silico analysis is inconsistent in its predictions as to whether or not the variant is damaging to the protein structure/function.Therefore, based on the currently available information, it is unclear whether this variant is pathogenic or benign.

NM_016599.5(MYOZ2):c.344G>A (p.Arg115Gln)

Gene: MYOZ2 (myozenin 2; plus strand). Cytogenetic location: 4q26.
Variant type: single nucleotide variant.
Coding change: c.344G>A on transcript NM_016599.5 (MANE Select); coding-DNA position 344, G replaced by A.
Protein change: p.Arg115Gln; replaces arginine 115 with glutamine.
Molecular consequence: missense variant.
Genome position (GRCh38, 1-based): chr4:119,158,119, G>A. VCF-style: chr4-119158119-G-A. GRCh37 (hg19) VCF-style: chr4-120079274-G-A.
Other names: short protein forms R115Q.
Identifiers: ClinVar variation 391869 (VCV000391869.2), dbSNP rs775457082, ClinGen allele CA3058601.